The following is an entry in ClinVar:

NM_015425.6(POLR1A):c.4792C>T (p.Arg1598Cys)

Gene: POLR1A (RNA polymerase I subunit A; minus strand). Cytogenetic location: 2p11.2.
Variant type: single nucleotide variant.
Coding change: c.4792C>T on transcript NM_015425.6 (MANE Select); coding-DNA position 4792, C replaced by T.
Protein change: p.Arg1598Cys; replaces arginine 1598 with cysteine.
Molecular consequence: missense variant.
Genome position (GRCh38, 1-based): chr2:86,028,699, G>A on the plus strand (C>T on the coding strand, the complement: POLR1A is on the minus strand). VCF-style: chr2-86028699-G-A. GRCh37 (hg19) VCF-style: chr2-86255822-G-A.
Other names: short protein forms R1598C.
Identifiers: ClinVar variation 5006341 (VCV005006341.2).
Genomic context (GRCh38, chr2:86,028,699, plus strand): 5'-GCGCGGCCTCAATGCCATACGTGTTGGCTATGGCGTGGATGTCGTTGGAGTAGAGGCGGC[G>A]CAGATCCAGGACCTGGAGAGAGGAAGGAAGGGATTTATTTAGAGGGCCTGGCCTTCTGCT-3'
Protein context (NP_056240.2, residues 1588-1608): LFKYAEVLDL[Arg1598Cys]RLYSNDIHAI

ClinVar aggregate classification (germline): Uncertain significance (1 of 4 stars; one submission).

Conditions:
Leukodystrophy, hypomyelinating, 27 (HLD27). Identifiers: MedGen C5882743, MONDO:0958018, OMIM 620675.
Acrofacial dysostosis Cincinnati type. Identifiers: Orphanet 1200, MedGen C4225317, MONDO:0014651, OMIM 616462.

gnomAD v4.1: 11 of 1,613,594 alleles (0.00068%); highest among the groups gnomAD compares: South Asian, 0.0077%; no homozygotes.

Submission:

Juno Genomics, Hangzhou Juno Genomics, Inc
Classification: Uncertain significance for Leukodystrophy, hypomyelinating, 27; Acrofacial dysostosis Cincinnati type. Review status: criteria provided, single submitter. Criteria: ACMG Guidelines, 2015. Collection method: clinical testing. Allele origin: germline.
Comment: Missense variant in a gene that has a low rate of benign missense variation.;Multiple lines of computational evidence support a deleterious effect on the gene or gene product.;Absent from controls (or at extremely low frequency if recessive) in Genome Aggregation Database.